The following is an entry in ClinVar:

ClinVar aggregate classification (germline): Uncertain significance (1 of 4 stars; one submission).

Conditions:
Familial cold autoinflammatory syndrome 2 (FCAS2). Identifiers: Orphanet 247868, MedGen C2673198, MONDO:0012724, OMIM 611762.

Allele frequency attached by ClinVar (database versions not stated): gnomAD exomes below 0.00001; gnomAD 0.00001; TOPMed 0.00001.
gnomAD v4.1: 6 of 1,613,850 alleles (0.00037%); highest among the groups gnomAD compares: African/African-American, 0.0013%; no homozygotes.

Submission:

Labcorp Genetics (formerly Invitae), Labcorp
Classification: Uncertain significance for Familial cold autoinflammatory syndrome 2. Last evaluated: 2022-11-22. Review status: criteria provided, single submitter. Criteria: Invitae Variant Classification Sherloc (09022015). Collection method: clinical testing. Allele origin: germline.
Comment: This sequence change replaces alanine, which is neutral and non-polar, with glutamic acid, which is acidic and polar, at codon 219 of the NLRP12 protein (p.Ala219Glu). In summary, the available evidence is currently insufficient to determine the role of this variant in disease. Therefore, it has been classified as a Variant of Uncertain Significance. Advanced modeling of protein sequence and biophysical properties (such as structural, functional, and spatial information, amino acid conservation, physicochemical variation, residue mobility, and thermodynamic stability) performed at Invitae indicates that this missense variant is expected to disrupt NLRP12 protein function. ClinVar contains an entry for this variant (Variation ID: 1418197). This variant has not been reported in the literature in individuals affected with NLRP12-related conditions. This variant is present in population databases (no rsID available, gnomAD 0.002%).

NM_144687.4(NLRP12):c.656C>A (p.Ala219Glu)

Gene: NLRP12 (NLR family pyrin domain containing 12; minus strand). Cytogenetic location: 19q13.42.
Variant type: single nucleotide variant.
Coding change: c.656C>A on transcript NM_144687.4 (MANE Select); coding-DNA position 656, C replaced by A.
Protein change: p.Ala219Glu; replaces alanine 219 with glutamic acid.
Molecular consequence: missense variant.
Genome position (GRCh38, 1-based): chr19:53,811,003, G>T on the plus strand (C>A on the coding strand, the complement: NLRP12 is on the minus strand). VCF-style: chr19-53811003-G-T. GRCh37 (hg19) VCF-style: chr19-54314257-G-T.
Other names: c.656C>A, p.Ala219Glu (NM_001277126.2, NM_001277129.1); short protein forms A219E.
Identifiers: ClinVar variation 1418197 (VCV001418197.8), dbSNP rs1321841169, ClinGen allele CA407416136.
Genomic context (GRCh38, chr19:53,811,003, plus strand): 5'-AGCTTCCCGTCCGCCCAGTCCAGCATCACCTTGTGTGCCAGCATGGACTTGCCTATCCCT[G>T]CCGCGCCTTGCATGACCACGGTGCGCGGTGGCTCGGGGCGCTCCTCGTCTGGCTCAAAGA-3'
Protein context (NP_653288.1, residues 209-229): PPRTVVMQGA[Ala219Glu]GIGKSMLAHK